The following is an entry in ClinVar:

NM_001351695.2(INTS2):c.1055T>C (p.Val352Ala)

Gene: INTS2 (integrator complex subunit 2; minus strand). Cytogenetic location: 17q23.2.
Variant type: single nucleotide variant.
Coding change: c.1055T>C on transcript NM_001351695.2 (MANE Select); coding-DNA position 1055, T replaced by C.
Protein change: p.Val352Ala; replaces valine 352 with alanine.
Molecular consequence: missense variant.
Genome position (GRCh38, 1-based): chr17:61,907,534, A>G on the plus strand (T>C on the coding strand, the complement: INTS2 is on the minus strand). VCF-style: chr17-61907534-A-G. GRCh37 (hg19) VCF-style: chr17-59984895-A-G.
Other names: c.1055T>C, p.Val352Ala (NM_001330417.2); c.1079T>C, p.Val360Ala (NM_020748.4); short protein forms V352A, V360A.
Identifiers: ClinVar variation 3040436 (VCV003040436.2), dbSNP rs61752320, ClinGen allele CA8691618.

ClinVar aggregate classification (germline): Likely benign (0 of 4 stars; one submission).

Conditions:
INTS2-related disorder. Also called: INTS2-related condition.

Allele frequency attached by ClinVar (database versions not stated): 1000 Genomes Project 30x 0.00031; 1000 Genomes Project 0.00040; ESP Exome Variant Server 0.00107; gnomAD 0.00111; TOPMed 0.00134; gnomAD exomes 0.00205; ExAC 0.00260.
gnomAD v4.1: 3,165 of 1,595,970 alleles (0.2%); highest among the groups gnomAD compares: South Asian, 0.36%; 4 homozygotes.

Submission:

PreventionGenetics, part of Exact Sciences
Classification: Likely benign for INTS2-related condition. Last evaluated: 2022-09-06. Review status: no assertion criteria provided. Collection method: clinical testing. Allele origin: germline.
Comment: This variant is classified as likely benign based on ACMG/AMP sequence variant interpretation guidelines (Richards et al. 2015 PMID: 25741868, with internal and published modifications).